The following is an entry in ClinVar:

NM_001080517.3(SETD5):c.904C>T (p.Arg302Cys)

Gene: SETD5 (SET domain containing 5; plus strand). Cytogenetic location: 3p25.3.
Variant type: single nucleotide variant.
Coding change: c.904C>T on transcript NM_001080517.3 (MANE Select); coding-DNA position 904, C replaced by T.
Protein change: p.Arg302Cys; replaces arginine 302 with cysteine.
Molecular consequence: missense variant.
Genome position (GRCh38, 1-based): chr3:9,441,686, C>T. VCF-style: chr3-9441686-C-T. GRCh37 (hg19) VCF-style: chr3-9483370-C-T.
Other names: c.610C>T, p.Arg204Cys (NM_001292043.2, NM_001349451.2); short protein forms R302C, R204C.
Identifiers: ClinVar variation 1347040 (VCV001347040.6), dbSNP rs2125187814, ClinGen allele CA351688893.

ClinVar aggregate classification (germline): Uncertain significance (1 of 4 stars; one submission).

Allele frequency attached by ClinVar (database versions not stated): gnomAD exomes below 0.00001.
gnomAD v4.1: 3 of 1,613,902 alleles (0.00019%); highest among the groups gnomAD compares: Non-Finnish European, 0.00025%; no homozygotes.

Submission:

Labcorp Genetics (formerly Invitae), Labcorp
Classification: Uncertain significance. Last evaluated: 2021-10-25. Review status: criteria provided, single submitter. Criteria: Invitae Variant Classification Sherloc (09022015). Collection method: clinical testing. Allele origin: germline.
Comment: This variant has not been reported in the literature in individuals affected with SETD5-related conditions. In summary, the available evidence is currently insufficient to determine the role of this variant in disease. Therefore, it has been classified as a Variant of Uncertain Significance. Algorithms developed to predict the effect of missense changes on protein structure and function are either unavailable or do not agree on the potential impact of this missense change (SIFT: "Deleterious"; PolyPhen-2: "Probably Damaging"; Align-GVGD: "Class C0"). This variant is not present in population databases (ExAC no frequency). This sequence change replaces arginine with cysteine at codon 302 of the SETD5 protein (p.Arg302Cys). The arginine residue is highly conserved and there is a large physicochemical difference between arginine and cysteine.